The following is an entry in ClinVar:

ClinVar aggregate classification (germline): Uncertain significance (1 of 4 stars; one submission).

Conditions:
Spastic paraplegia. Identifiers: MedGen C0037772, HP:0001258.

gnomAD v4.1: 2 of 1,614,046 alleles (0.00012%); highest among the groups gnomAD compares: Non-Finnish European, 0.00017%; no homozygotes.

Submission:

Labcorp Genetics (formerly Invitae), Labcorp
Classification: Uncertain significance for Spastic paraplegia. Last evaluated: 2025-09-27. Review status: criteria provided, single submitter. Criteria: Invitae Variant Classification Sherloc (09022015). Collection method: clinical testing. Allele origin: germline.
Comment: This sequence change replaces histidine, which is basic and polar, with tyrosine, which is neutral and polar, at codon 926 of the KIF5A protein (p.His926Tyr). This variant is not present in population databases (gnomAD no frequency). This variant has not been reported in the literature in individuals affected with KIF5A-related conditions. Invitae Evidence Modeling of protein sequence and biophysical properties (such as structural, functional, and spatial information, amino acid conservation, physicochemical variation, residue mobility, and thermodynamic stability) indicates that this missense variant is not expected to disrupt KIF5A protein function with a negative predictive value of 95%. In summary, the available evidence is currently insufficient to determine the role of this variant in disease. Therefore, it has been classified as a Variant of Uncertain Significance.

NM_004984.4(KIF5A):c.2776C>T (p.His926Tyr)

Gene: KIF5A (kinesin family member 5A; plus strand). Cytogenetic location: 12q13.3.
Variant type: single nucleotide variant.
Coding change: c.2776C>T on transcript NM_004984.4 (MANE Select); coding-DNA position 2776, C replaced by T.
Protein change: p.His926Tyr; replaces histidine 926 with tyrosine.
Molecular consequence: missense variant.
Genome position (GRCh38, 1-based): chr12:57,581,435, C>T. VCF-style: chr12-57581435-C-T. GRCh37 (hg19) VCF-style: chr12-57975218-C-T.
Other names: c.2509C>T, p.His837Tyr (NM_001354705.2); short protein forms H837Y, H926Y.
Identifiers: ClinVar variation 4803048 (VCV004803048.1).
Genomic context (GRCh38, chr12:57,581,435, plus strand): 5'-GTCATAGCCTCCTCATGGTTGTTTTCTTTCTTTATTGCAGCCAAACCCGTCCGGCCTGGC[C>T]ACTACCCAGCATCCTCACCCACCAACCCCTATGGCACCCGGAGCCCTGAGTGCATCAGTT-3'
Protein context (NP_004975.2, residues 916-936): AQIAKPVRPG[His926Tyr]YPASSPTNPY